The following is an entry in ClinVar:

ClinVar aggregate classification (germline): Pathogenic. Review status: criteria provided, multiple submitters, no conflicts (2 of 4 stars). 2 submissions from 2 submitters: Pathogenic (2). Last evaluated 2024-03-18.

Conditions:
Familial cancer of breast. Also called: BREAST CANCER, FAMILIAL; Hereditary breast cancer; hereditary breast carcinoma. Identifiers: Orphanet 227535, MedGen C0346153, MONDO:0016419, OMIM 114480. Disease mechanism: loss of function.

Submissions (2):

Quest Diagnostics Nichols Institute San Juan Capistrano
Classification: Pathogenic. Last evaluated: 2024-03-18. Review status: criteria provided, single submitter. Criteria: Quest Diagnostics criteria. Collection method: clinical testing. Allele origin: unknown.
Comment: The ATM c.706_707del (p.Leu236Tyrfs*17) variant alters the translational reading frame of the ATM mRNA and causes the premature termination of ATM protein synthesis. This variant has not been reported in individuals with ATM-related conditions in the published literature. This variant has not been reported in large, multi-ethnic general populations (Genome Aggregation Database). Based on the available information, this variant is classified as pathogenic.

Myriad Genetics, Inc.
Classification: Pathogenic for Familial cancer of breast. Last evaluated: 2024-01-10. Review status: criteria provided, single submitter. Criteria: Myriad Autosomal Dominant, Autosomal Recessive and X-Linked Classification Criteria (2023). Collection method: clinical testing. Allele origin: unknown.
Comment: This variant is considered pathogenic. This variant creates a frameshift predicted to result in premature protein truncation.

NM_000051.4(ATM):c.706_707del (p.Leu236fs)

Gene: ATM (ATM serine/threonine kinase; plus strand). Cytogenetic location: 11q22.3.
Variant type: Microsatellite.
Coding change: c.706_707del on transcript NM_000051.4 (MANE Select); coding-DNA positions 706 to 707, 2 bases deleted (CT; older notation c.706_707delCT).
Protein change: p.Leu236fs; shifts the reading frame from leucine 236.
Molecular consequence: frameshift variant.
Genome position (GRCh38, 1-based): chr11:108,244,831-108,244,832, CT deleted; deleting any 2 consecutive bases within chr11:108,244,829-108,244,832 gives the same sequence; the c. name uses the placement nearest the transcript's 3' end. VCF-style (leftmost placement, unchanged base first): chr11-108244828-GCT-G. GRCh37 (hg19) VCF-style: chr11-108115555-GCT-G.
Other names: c.704_705CT[1], p.Leu236Tyrfs (NM_000051.3); c.706_707del, p.Leu236fs (NM_001351834.2); c.706_707del (NM_000051.3); short protein forms L236fs.
Identifiers: ClinVar variation 3148810 (VCV003148810.2), dbSNP rs2497147888, ClinGen allele CA2825001757.
Genomic context (GRCh38, chr11:108,244,828, plus strand): 5'-GCTTGTTTGTTTCTTCACAGACAAGAAAAGAGCTCTTCAGGTCTAAATCATATCTTAGCA[GCT>G]CTTACTATCTTCCTCAAGACTTTGGCTGTCAACTTTCGAATTCGAGTGTGTGAATTAGGA-3'